The following is an entry in ClinVar:

ClinVar aggregate classification (germline): Uncertain significance (1 of 4 stars; one submission).

Conditions:
Gorlin syndrome. Also called: Nevoid Basal Cell Carcinoma Syndrome; Basal cell nevus syndrome. Identifiers: Orphanet 377, MedGen C0004779, MONDO:0007187.

Submission:

Labcorp Genetics (formerly Invitae), Labcorp
Classification: Uncertain significance for Gorlin syndrome. Last evaluated: 2019-05-29. Review status: criteria provided, single submitter. Criteria: Invitae Variant Classification Sherloc (09022015). Collection method: clinical testing. Allele origin: germline.
Comment: In summary, the available evidence is currently insufficient to determine the role of this variant in disease. Therefore, it has been classified as a Variant of Uncertain Significance. Experimental studies and prediction algorithms are not available or were not evaluated for this variant, and the functional significance of the affected amino acid(s) is currently unknown. This variant has not been reported in the literature in individuals with PTCH1-related conditions. This variant is not present in population databases (ExAC no frequency). This variant, c.147_164del, results in the deletion of 6 amino acid(s) of the PTCH1 protein (p.Leu50_Tyr55del), but otherwise preserves the integrity of the reading frame.

NM_000264.5(PTCH1):c.147_164del (p.Leu50_Tyr55del)

Genes: PTCH1 (patched 1; minus strand), LOC130002133 (ATAC-STARR-seq lymphoblastoid silent region 20071; plus strand). Cytogenetic location: 9q22.32.
Variant type: Deletion.
Coding change: c.147_164del on transcript NM_000264.5 (MANE Select); coding-DNA positions 147 to 164, 18 bases deleted (TCTGCACCGGCCCAGCTA).
Protein change: p.Leu50_Tyr55del.
Molecular consequence: inframe deletion. On other transcripts: non-coding transcript variant (1), intron variant (3).
Genome position (GRCh38, 1-based): chr9:95,508,198-95,508,215, TAGCTGGGCCGGTGCAGA deleted on the plus strand (TCTGCACCGGCCCAGCTA on the coding strand, the reverse complement: PTCH1 is on the minus strand); deleting any 18 consecutive bases within chr9:95,508,198-95,508,218 gives the same sequence; the c. name uses the placement nearest the transcript's 3' end. VCF-style (leftmost placement, unchanged base first): chr9-95508197-GTAGCTGGGCCGGTGCAGA-G. GRCh37 (hg19) VCF-style: chr9-98270479-GTAGCTGGGCCGGTGCAGA-G.
Other names: c.147_164del, p.Leu50_Tyr55del (NM_001354918.2); c.199-1616_199-1599del (NM_001083603.3); c.4-1616_4-1599del (NM_001083602.3, NM_001354919.2).
Identifiers: ClinVar variation 941943 (VCV000941943.10), dbSNP rs1843889325, ClinGen allele CA1139661026.